The following is an entry in ClinVar:

NM_000186.4(CFH):c.1022G>A (p.Arg341His)

Gene: CFH (complement factor H; plus strand). Cytogenetic location: 1q31.3.
Variant type: single nucleotide variant.
Coding change: c.1022G>A on transcript NM_000186.4 (MANE Select); coding-DNA position 1022, G replaced by A.
Protein change: p.Arg341His; replaces arginine 341 with histidine.
Molecular consequence: missense variant.
Genome position (GRCh38, 1-based): chr1:196,689,477, G>A. VCF-style: chr1-196689477-G-A. GRCh37 (hg19) VCF-style: chr1-196658607-G-A.
Other names: p.Arg341His; c.1022G>A, p.Arg341His (NM_001014975.3); short protein forms R341H.
Identifiers: ClinVar variation 2202899 (VCV002202899.7), dbSNP rs371192606, ClinGen allele CA1305231.

ClinVar aggregate classification (germline): Uncertain significance. Review status: criteria provided, multiple submitters, no conflicts (2 of 4 stars). 4 submissions from 4 submitters: Uncertain significance (4). Last evaluated 2025-10-02.

Conditions:
Age related macular degeneration 4. Identifiers: MedGen C1853147, MONDO:0012540, OMIM 610698.
Atypical hemolytic-uremic syndrome. Identifiers: Orphanet 2134, MedGen C2931788, MONDO:0016244.

Allele frequency attached by ClinVar (database versions not stated): gnomAD 0.00001; ExAC 0.00002; gnomAD exomes 0.00002; TOPMed 0.00002; ESP Exome Variant Server 0.00008.
gnomAD v4.1: 35 of 1,613,216 alleles (0.0022%); highest among the groups gnomAD compares: Admixed American, 0.005%; 1 homozygote.

Submissions (4):

Genomenon, Inc
Classification: Uncertain significance for Atypical hemolytic-uremic syndrome; Age related macular degeneration 4. Last evaluated: 2025-10-02. Review status: criteria provided, single submitter. Criteria: Genomenon Sequence Variant Interpretation Standards - Updated. Collection method: curation. Allele origin: germline. Affected: yes.
Comment: CFH p.Arg341His (c.1022G>A) is a missense variant that changes the amino acid at residue 341 from Arginine to Histidine. This variant has been observed in at least one proband affected with a CFH-related disorder (PMID:35925583;20203157). Functional studies have been reported (PMID:34189567). It is absent or not present at a significant frequency in gnomAD. In conclusion, we classify CFH p.Arg341His (c.1022G>A) as a variant of uncertain significance.

Women's Health and Genetics/Laboratory Corporation of America, LabCorp
Classification: Uncertain significance. Last evaluated: 2025-06-05. Review status: criteria provided, single submitter. Criteria: LabCorp Variant Classification Summary - May 2015. Collection method: clinical testing. Allele origin: germline.
Comment: Variant summary: CFH c.1022G>A (p.Arg341His) results in a non-conservative amino acid change in the encoded protein sequence. Algorithms developed to predict the effect of missense changes on protein structure and function are either unavailable or do not agree on the potential impact of this missense change. The variant allele was found at a frequency of 4.4e-05 in 250676 control chromosomes. This frequency is not significantly higher than estimated for a pathogenic variant in CFH causing CFH-Related Disorders, allowing no conclusion about variant significance. c.1022G>A has been observed in individual(s) affected with CFH-Related Disorders including atypical hemolytic uremic syndrome and age-related macular degeneration, without strong evidence for causality (Fakhouri_2010, Bresin_2013, Farinha_2022). These report(s) do not provide unequivocal conclusions about association of the variant with CFH-Related Disorders. At least one publication reports experimental evidence evaluating an impact on protein function. These results showed no damaging effect of this variant (Martin Merinero_2021). The following publications have been ascertained in the context of this evaluation (PMID: 20203157, 23431077, 34189567, 35925583). ClinVar contains an entry for this variant (Variation ID: 2202899). Based on the evidence outlined above, the variant was classified as uncertain significance.

Labcorp Genetics (formerly Invitae), Labcorp
Classification: Uncertain significance. Last evaluated: 2025-05-10. Review status: criteria provided, single submitter. Criteria: Invitae Variant Classification Sherloc (09022015). Collection method: clinical testing. Allele origin: germline.
Comment: This sequence change replaces arginine, which is basic and polar, with histidine, which is basic and polar, at codon 341 of the CFH protein (p.Arg341His). This variant is present in population databases (rs371192606, gnomAD 0.009%). This missense change has been observed in individual(s) with clinical features of CFH-related conditions (PMID: 20203157, 35925583). ClinVar contains an entry for this variant (Variation ID: 2202899). An algorithm developed to predict the effect of missense changes on protein structure and function outputs the following: PolyPhen-2: "Benign". The histidine amino acid residue is found in multiple mammalian species, which suggests that this missense change does not adversely affect protein function. Experimental studies have shown that this missense change does not substantially affect CFH function (PMID: 34189567). In summary, the available evidence is currently insufficient to determine the role of this variant in disease. Therefore, it has been classified as a Variant of Uncertain Significance.

Mayo Clinic Laboratories, Mayo Clinic
Classification: Uncertain significance. Last evaluated: 2023-12-26. Review status: criteria provided, single submitter. Criteria: ACMG Guidelines, 2015. Collection method: clinical testing. Allele origin: germline. Observed: 1 variant allele.
Comment: BS3

Literature cited by the submitters: PubMed 35925583 (cited by 3 submitters); PubMed 20203157 (cited by 4 submitters); PubMed 34189567 (cited by 4 submitters); PubMed 23431077 (cited by Women's Health and Genetics/Laboratory Corporation of America, LabCorp and Mayo Clinic Laboratories, Mayo Clinic).